The following is an entry in ClinVar:

ClinVar aggregate classification (germline): Uncertain significance. Review status: criteria provided, multiple submitters, no conflicts (2 of 4 stars). 5 submissions from 5 submitters: Uncertain significance (5). Last evaluated 2024-10-28.

Conditions:
Colorectal cancer. Also called: Colorectal cancer, somatic; Malignant Colorectal Neoplasm. Identifiers: MedGen C0346629, MONDO:0005575, OMIM 114500.
Oligodontia-cancer predisposition syndrome. Also called: TOOTH AGENESIS-COLORECTAL CANCER SYNDROME. Identifiers: Orphanet 300576, MedGen C1837750, MONDO:0012075, OMIM 608615. Disease mechanism: loss of function.
Hereditary cancer-predisposing syndrome. Also called: Neoplastic Syndromes, Hereditary; Hereditary neoplastic syndrome; Tumor predisposition; Hereditary Cancer Syndrome. Identifiers: Orphanet 140162, MedGen C0027672, MeSH D009386, MONDO:0015356.

Allele frequency attached by ClinVar (database versions not stated): ExAC 0.00001; gnomAD 0.00001; TOPMed 0.00002.

Submissions (5):

Ambry Genetics
Classification: Uncertain significance for Hereditary cancer-predisposing syndrome. Last evaluated: 2024-10-28. Review status: criteria provided, single submitter. Criteria: Ambry Variant Classification Scheme 2023. Collection method: clinical testing. Allele origin: germline.
Comment: The p.P71S variant (also known as c.211C>T), located in coding exon 1 of the AXIN2 gene, results from a C to T substitution at nucleotide position 211. The proline at codon 71 is replaced by serine, an amino acid with similar properties. This amino acid position is highly conserved in available vertebrate species. In addition, this alteration is predicted to be tolerated by in silico analysis. Since supporting evidence is limited at this time, the clinical significance of this alteration remains unclear.

Labcorp Genetics (formerly Invitae), Labcorp
Classification: Uncertain significance for Oligodontia-cancer predisposition syndrome. Last evaluated: 2024-09-04. Review status: criteria provided, single submitter. Criteria: Invitae Variant Classification Sherloc (09022015). Collection method: clinical testing. Allele origin: germline.
Comment: This sequence change replaces proline, which is neutral and non-polar, with serine, which is neutral and polar, at codon 71 of the AXIN2 protein (p.Pro71Ser). This variant is present in population databases (rs769064498, gnomAD 0.007%). This variant has not been reported in the literature in individuals affected with AXIN2-related conditions. ClinVar contains an entry for this variant (Variation ID: 1393425). Invitae Evidence Modeling of protein sequence and biophysical properties (such as structural, functional, and spatial information, amino acid conservation, physicochemical variation, residue mobility, and thermodynamic stability) indicates that this missense variant is not expected to disrupt AXIN2 protein function with a negative predictive value of 80%. In summary, the available evidence is currently insufficient to determine the role of this variant in disease. Therefore, it has been classified as a Variant of Uncertain Significance.

Baylor Genetics
Classification: Uncertain significance for Colorectal cancer. Last evaluated: 2024-01-22. Review status: criteria provided, single submitter. Criteria: ACMG Guidelines, 2015. Collection method: clinical testing. Allele origin: unknown.

Fulgent Genetics
Classification: Uncertain significance for Colorectal cancer; Oligodontia-cancer predisposition syndrome. Last evaluated: 2024-01-22. Review status: criteria provided, single submitter. Criteria: ACMG Guidelines, 2015. Collection method: clinical testing. Allele origin: germline.

GeneDx
Classification: Uncertain significance. Last evaluated: 2023-07-03. Review status: criteria provided, single submitter. Criteria: GeneDx Variant Classification Process June 2021. Collection method: clinical testing. Allele origin: germline. Affected: yes.
Comment: Not observed at significant frequency in large population cohorts (gnomAD); In silico analysis supports that this missense variant has a deleterious effect on protein structure/function; Has not been previously published as pathogenic or benign to our knowledge

NM_004655.4(AXIN2):c.211C>T (p.Pro71Ser)

Gene: AXIN2 (axin 2; minus strand). Cytogenetic location: 17q24.1.
Variant type: single nucleotide variant.
Coding change: c.211C>T on transcript NM_004655.4 (MANE Select); coding-DNA position 211, C replaced by T.
Protein change: p.Pro71Ser; replaces proline 71 with serine.
Molecular consequence: missense variant.
Genome position (GRCh38, 1-based): chr17:65,558,410, G>A on the plus strand (C>T on the coding strand, the complement: AXIN2 is on the minus strand). VCF-style: chr17-65558410-G-A. GRCh37 (hg19) VCF-style: chr17-63554528-G-A.
Other names: c.211C>T, p.Pro71Ser (NM_001363813.1); short protein forms P71S.
Identifiers: ClinVar variation 1393425 (VCV001393425.10), dbSNP rs769064498, ClinGen allele CA8719083.
Genomic context (GRCh38, chr17:65,558,410, plus strand): 5'-CGTCTTGATCGCCCAATAAGGAGTGTAAGGACTTGGTCCACCGGGTCAGAGGGGAATCCG[G>A]AGATGCCCGCCCCTCCGGCTCCCCCAACCCATCTTCGTTCCGCCTGGTGTTGGAAGAGAC-3'
Protein context (NP_004646.3, residues 61-81): GLGEPEGRAS[Pro71Ser]DSPLTRWTKS